The following is an entry in ClinVar:

ClinVar aggregate classification (germline): Conflicting classifications of pathogenicity. Review status: criteria provided, conflicting classifications (1 of 4 stars). 3 submissions from 3 submitters: Pathogenic (1); Likely pathogenic (1); Uncertain significance (1). Last evaluated 2025-01-09.

Conditions:
Karyomegalic interstitial nephritis. Identifiers: Orphanet 401996, MedGen C3553774, MONDO:0013898, OMIM 614817.

Allele frequency attached by ClinVar (database versions not stated): gnomAD exomes below 0.00001 and 0.00001; ExAC 0.00001; gnomAD 0.00002 and 0.00003; TOPMed 0.00002; ESP Exome Variant Server 0.00008.

Submissions (3):

GeneDx
Classification: Uncertain significance. Last evaluated: 2025-01-09. Review status: criteria provided, single submitter. Criteria: GeneDx Variant Classification Process June 2021. Collection method: clinical testing. Allele origin: germline. Affected: yes.
Comment: Frameshift variant predicted to result in protein truncation or nonsense mediated decay in a gene for which loss of function is a known mechanism of disease; Has not been previously published as pathogenic or benign to our knowledge

Fulgent Genetics
Classification: Likely pathogenic for Karyomegalic interstitial nephritis. Last evaluated: 2022-04-22. Review status: criteria provided, single submitter. Criteria: ACMG Guidelines, 2015. Collection method: clinical testing. Allele origin: unknown.

Revvity Omics, Revvity
Classification: Pathogenic for Karyomegalic interstitial nephritis. Last evaluated: 2020-10-09. Review status: criteria provided, single submitter. Criteria: ACMG Guidelines, 2015. Collection method: clinical testing. Allele origin: germline.

NM_014967.5(FAN1):c.2264del (p.Glu755fs)

Genes: FAN1 (FANCD2 and FANCI associated nuclease 1; plus strand), MTMR10 (myotubularin related protein 10; minus strand). Cytogenetic location: 15q13.3.
Variant type: Deletion.
Coding change: c.2264del on transcript NM_014967.5 (MANE Select); coding-DNA position 2264, one base deleted (A; older notation c.2264delA).
Protein change: p.Glu755fs; shifts the reading frame from glutamic acid 755.
Molecular consequence: frameshift variant.
Genome position (GRCh38, 1-based): chr15:30,925,218, A deleted. VCF-style (leftmost placement, unchanged base first): chr15-30925217-GA-G. GRCh37 (hg19) VCF-style: chr15-31217420-GA-G.
Other names: short protein forms E755fs.
Identifiers: ClinVar variation 1322866 (VCV001322866.6), dbSNP rs756840415, ClinGen allele CA7450551.